The following is an entry in ClinVar:

ClinVar aggregate classification (germline): Uncertain significance (1 of 4 stars; one submission).

gnomAD v4.1: 2 of 1,613,848 alleles (0.00012%); highest among the groups gnomAD compares: East Asian, 0.0022%; no homozygotes.

Submission:

Women's Health and Genetics/Laboratory Corporation of America, LabCorp
Classification: Uncertain significance. Last evaluated: 2024-05-24. Review status: criteria provided, single submitter. Criteria: LabCorp Variant Classification Summary - May 2015. Collection method: clinical testing. Allele origin: germline.
Comment: Variant summary: ALDH7A1 c.445G>A (p.Glu149Lys) results in a conservative amino acid change located in the Aldehyde dehydrogenase domain (IPR015590) of the encoded protein sequence. Four of five in-silico tools predict a damaging effect of the variant on protein function. The variant was absent in 251444 control chromosomes. c.445G>A has been reported in the literature as homozygous in an individual affected with Pyridoxine-Dependent Epilepsy (Coughlin_2019). These data indicate that the variant may be associated with disease. To our knowledge, no experimental evidence demonstrating an impact on protein function has been reported. The following publication have been ascertained in the context of this evaluation (PMID: 30043187). No submitters have cited clinical-significance assessments for this variant to ClinVar. Based on the evidence outlined above, the variant was classified as VUS-possibly pathogenic.

Literature cited by the submitters: PubMed 30043187.

NM_001182.5(ALDH7A1):c.445G>A (p.Glu149Lys)

Gene: ALDH7A1 (aldehyde dehydrogenase 7 family member A1; minus strand). Cytogenetic location: 5q23.2.
Variant type: single nucleotide variant.
Coding change: c.445G>A on transcript NM_001182.5 (MANE Select); coding-DNA position 445, G replaced by A.
Protein change: p.Glu149Lys; replaces glutamic acid 149 with lysine.
Molecular consequence: missense variant.
Genome position (GRCh38, 1-based): chr5:126,582,923, C>T on the plus strand (G>A on the coding strand, the complement: ALDH7A1 is on the minus strand). VCF-style: chr5-126582923-C-T. GRCh37 (hg19) VCF-style: chr5-125918615-C-T.
Other names: c.361G>A, p.Glu121Lys (NM_001201377.2); c.445G>A, p.Glu149Lys (NM_001202404.2); short protein forms E121K, E149K.
Identifiers: ClinVar variation 3336379 (VCV003336379.1).
Genomic context (GRCh38, chr5:126,582,923, plus strand): 5'-AGATAGGTCCTCCAATCATCCTTGATAAACCAACAGCATAGTCACAGATATCCACATACT[C>T]CTGAACTTCACCCACACCTTCCACTAAGATTTTCCCCATCTCCAAAGACACCTAGAAATA-3'
Protein context (NP_001173.2, residues 139-159): ILVEGVGEVQ[Glu149Lys]YVDICDYAVG